The following is an entry in ClinVar:

ClinVar aggregate classification (germline): Uncertain significance (1 of 4 stars; one submission).

Conditions:
Hereditary cancer-predisposing syndrome. Also called: Neoplastic Syndromes, Hereditary; Hereditary Cancer Syndrome; Hereditary neoplastic syndrome; Tumor predisposition. Identifiers: Orphanet 140162, MedGen C0027672, MeSH D009386, MONDO:0015356.

Submission:

Ambry Genetics
Classification: Uncertain significance for Hereditary cancer-predisposing syndrome. Last evaluated: 2025-05-04. Review status: criteria provided, single submitter. Criteria: Ambry Variant Classification Scheme 2023. Collection method: clinical testing. Allele origin: germline.
Comment: The p.T367I variant (also known as c.1100C>T), located in coding exon 11 of the FANCC gene, results from a C to T substitution at nucleotide position 1100. The threonine at codon 367 is replaced by isoleucine, an amino acid with similar properties. This amino acid position is conserved. In addition, this alteration is predicted to be tolerated by in silico analysis. Since supporting evidence is limited at this time, the clinical significance of this alteration remains unclear.

NM_000136.3(FANCC):c.1100C>T (p.Thr367Ile)

Genes: FANCC (FA complementation group C; minus strand), AOPEP (aminopeptidase O (putative); plus strand). Cytogenetic location: 9q22.32.
Variant type: single nucleotide variant.
Coding change: c.1100C>T on transcript NM_000136.3 (MANE Select); coding-DNA position 1100, C replaced by T.
Protein change: p.Thr367Ile; replaces threonine 367 with isoleucine.
Molecular consequence: missense variant.
Genome position (GRCh38, 1-based): chr9:95,114,683, G>A on the plus strand (C>T on the coding strand, the complement: FANCC is on the minus strand). VCF-style: chr9-95114683-G-A. GRCh37 (hg19) VCF-style: chr9-97876965-G-A.
Other names: c.1100C>T, p.Thr367Ile (NM_001243743.2, NM_001243744.2); short protein forms T367I.
Identifiers: ClinVar variation 2562114 (VCV002562114.3), dbSNP rs2072243999, ClinGen allele CA374108017.